The following is an entry in ClinVar:

ClinVar aggregate classification (germline): Likely benign (1 of 4 stars; one submission).

Conditions:
FOXC1-related disorder. Also called: FOXC1-related condition.

Submission:

PreventionGenetics, part of Exact Sciences
Classification: Likely benign for FOXC1-related condition. Last evaluated: 2026-09-08. Review status: criteria provided, single submitter. Criteria: ACMG Guidelines, 2015. Collection method: clinical testing. Allele origin: germline.
Comment: This variant is classified as likely benign based on ACMG/AMP sequence variant interpretation guidelines (Richards et al. 2015 PMID: 25741868, with internal and published modifications).

NM_001453.3(FOXC1):c.-428C>G

Genes: FOXC1 (forkhead box C1; plus strand), LOC129995600 (ATAC-STARR-seq lymphoblastoid silent region 16824; plus strand). Cytogenetic location: 6p25.3.
Variant type: single nucleotide variant.
Coding change: c.-428C>G on transcript NM_001453.3 (MANE Select); 428 bases upstream of the start codon, C replaced by G.
Molecular consequence: 5 prime UTR variant.
Genome position (GRCh38, 1-based): chr6:1,610,018, C>G. VCF-style: chr6-1610018-C-G. GRCh37 (hg19) VCF-style: chr6-1610253-C-G.
Identifiers: ClinVar variation 4977326 (VCV004977326.1).